The following is an entry in ClinVar:

NM_000540.3(RYR1):c.1441-12del

Genes: RYR1 (ryanodine receptor 1; plus strand), LOC129391106 (MPRA-validated peak3472 silencer; plus strand). Cytogenetic location: 19q13.2.
Variant type: Deletion.
Coding change: c.1441-12del on transcript NM_000540.3 (MANE Select); 12 bases into the intron before coding-DNA position 1441, one base deleted (T; older notation c.1441-12delT).
Molecular consequence: intron variant.
Genome position (GRCh38, 1-based): chr19:38,455,223, T deleted; the last of 4 consecutive T bases (chr19:38,455,220-38,455,223); deleting any one gives the same sequence. VCF-style (leftmost placement, unchanged base first): chr19-38455219-AT-A. GRCh37 (hg19) VCF-style: chr19-38945859-AT-A.
Other names: c.1441-12del (NM_001042723.2).
Identifiers: ClinVar variation 3073092 (VCV003073092.1), dbSNP rs2514024978, ClinGen allele CA2825002765.

ClinVar aggregate classification (germline): Uncertain significance (1 of 4 stars; one submission).

Conditions:
Malignant hyperthermia, susceptibility to, 1 (MHS1). Also called: Anesthesia related hyperthermia; Malignant hyperpyrexia; Fulminating hyperpyrexia; Pharmacogenic myopathy; RYR1-Related Malignant Hyperthermia Susceptibility; Malignant hyperthermia suceptibility 1. Identifiers: Orphanet 423, MedGen C2930980, MONDO:0007783, OMIM 145600.

Submission:

All of Us Research Program, National Institutes of Health
Classification: Uncertain significance for Malignant hyperthermia, susceptibility to, 1. Last evaluated: 2023-08-23. Review status: criteria provided, single submitter. Criteria: ACMG Guidelines, 2015. Collection method: clinical testing. Allele origin: germline. Inheritance: Autosomal dominant inheritance. Observed: 1 variant allele, 1 heterozygote.
Comment: This variant causes the deletion of one nucleotide in intron 13 of the RYR1 gene. To our knowledge, functional studies have not been reported for this variant. This variant has not been reported in individuals affected with RYR1-related disorders in the literature. This variant has not been identified in the general population by the Genome Aggregation Database (gnomAD). The available evidence is insufficient to determine the role of this variant in disease conclusively. Therefore, this variant is classified as a Variant of Uncertain Significance.

This study involves interpretation of variants in research participants for the purpose of population health screening. Participant phenotype was not available at the time of variant classification. Additional details can be found in publication PMID: 35346344, PMCID: PMC8962531